The following is an entry in ClinVar:

ClinVar aggregate classification (germline): Uncertain significance (1 of 4 stars; one submission).

Submission:

Labcorp Genetics (formerly Invitae), Labcorp
Classification: Uncertain significance. Last evaluated: 2024-12-02. Review status: criteria provided, single submitter. Criteria: Invitae Variant Classification Sherloc (09022015). Collection method: clinical testing. Allele origin: germline.
Comment: This sequence change replaces methionine, which is neutral and non-polar, with leucine, which is neutral and non-polar, at codon 592 of the LRPPRC protein (p.Met592Leu). This variant is not present in population databases (gnomAD no frequency). This variant has not been reported in the literature in individuals affected with LRPPRC-related conditions. ClinVar contains an entry for this variant (Variation ID: 2703780). Invitae Evidence Modeling of protein sequence and biophysical properties (such as structural, functional, and spatial information, amino acid conservation, physicochemical variation, residue mobility, and thermodynamic stability) indicates that this missense variant is not expected to disrupt LRPPRC protein function with a negative predictive value of 80%. In summary, the available evidence is currently insufficient to determine the role of this variant in disease. Therefore, it has been classified as a Variant of Uncertain Significance.

NM_133259.4(LRPPRC):c.1774A>C (p.Met592Leu)

Gene: LRPPRC (leucine rich pentatricopeptide repeat containing; minus strand). Cytogenetic location: 2p21.
Variant type: single nucleotide variant.
Coding change: c.1774A>C on transcript NM_133259.4 (MANE Select); coding-DNA position 1774, A replaced by C.
Protein change: p.Met592Leu; replaces methionine 592 with leucine.
Molecular consequence: missense variant.
Genome position (GRCh38, 1-based): chr2:43,948,480, T>G on the plus strand (A>C on the coding strand, the complement: LRPPRC is on the minus strand). VCF-style: chr2-43948480-T-G. GRCh37 (hg19) VCF-style: chr2-44175619-T-G.
Other names: short protein forms M592L.
Identifiers: ClinVar variation 2703780 (VCV002703780.3), dbSNP rs778102270, ClinGen allele CA346676553.